The following is an entry in ClinVar:

ClinVar aggregate classification (germline): Uncertain significance (1 of 4 stars; one submission).

Conditions:
Cardiovascular phenotype. Identifiers: MedGen CN230736.

gnomAD v4.1: 2 of 1,550,286 alleles (0.00013%); highest among the groups gnomAD compares: African/African-American, 0.0014%; no homozygotes.

Submission:

Ambry Genetics
Classification: Uncertain significance for Cardiovascular phenotype. Last evaluated: 2025-05-15. Review status: criteria provided, single submitter. Criteria: Ambry Variant Classification Scheme 2023. Collection method: clinical testing. Allele origin: germline.
Comment: The p.A2561V variant (also known as c.7682C>T), located in coding exon 2 of the ZNF469 gene, results from a C to T substitution at nucleotide position 7682. The alanine at codon 2561 is replaced by valine, an amino acid with similar properties. This amino acid position is conserved. In addition, this alteration is predicted to be tolerated by in silico analysis. Based on the available evidence, the clinical significance of this variant remains unclear.

NM_001367624.2(ZNF469):c.7766C>T (p.Ala2589Val)

Gene: ZNF469 (zinc finger protein 469; plus strand). Cytogenetic location: 16q24.2.
Variant type: single nucleotide variant.
Coding change: c.7766C>T on transcript NM_001367624.2 (MANE Select); coding-DNA position 7766, C replaced by T.
Protein change: p.Ala2589Val; replaces alanine 2589 with valine.
Molecular consequence: missense variant.
Genome position (GRCh38, 1-based): chr16:88,435,236, C>T. VCF-style: chr16-88435236-C-T. GRCh37 (hg19) VCF-style: chr16-88501644-C-T.
Other names: NM_001127464.1:c.7682C>T; short protein forms A2589V.
Identifiers: ClinVar variation 3987347 (VCV003987347.1).